The following is an entry in ClinVar:

NM_001378969.1(KCND3):c.257G>A (p.Arg86Gln)

Gene: KCND3 (potassium voltage-gated channel subfamily D member 3; minus strand). Cytogenetic location: 1p13.2.
Variant type: single nucleotide variant.
Coding change: c.257G>A on transcript NM_001378969.1 (MANE Select); coding-DNA position 257, G replaced by A.
Protein change: p.Arg86Gln; replaces arginine 86 with glutamine.
Molecular consequence: missense variant.
Genome position (GRCh38, 1-based): chr1:111,982,470, C>T on the plus strand (G>A on the coding strand, the complement: KCND3 is on the minus strand). VCF-style: chr1-111982470-C-T. GRCh37 (hg19) VCF-style: chr1-112525092-C-T.
Other names: c.257G>A, p.Arg86Gln (NM_001378970.1, NM_004980.5, NM_172198.3); short protein forms R86Q.
Identifiers: ClinVar variation 689484 (VCV000689484.3), dbSNP rs1571941606, ClinGen allele CA341822556.

ClinVar aggregate classification (germline): Uncertain significance (1 of 4 stars; one submission).

Conditions:
Spinocerebellar ataxia type 19/22 (SCA19). Also called: SPINOCEREBELLAR ATAXIA 19; SPINOCEREBELLAR ATAXIA 22. Identifiers: Orphanet 98772, MedGen C1846367, MONDO:0011819, OMIM 607346.

Submission:

Foundation for Research in Genetics and Endocrinology, FRIGE's Institute of Human Genetics
Classification: Uncertain significance for Spinocerebellar ataxia type 19/22. Last evaluated: 2019-06-11. Review status: criteria provided, single submitter. Criteria: ACMG Guidelines, 2015. Collection method: clinical testing. Allele origin: germline. Inheritance: Autosomal dominant inheritance. Affected: yes. Observed: 1 heterozygote.
Comment: A heterozygous variant c.257G>A (p.Arg86Gln) in exon-2 has been observed in KCND3 gene. The variant has not been reported in the 1000 genomes and ExAC databases. The in-silico predictions of the variant are probably damaging by PolyPhen-2 (HumDiv) and damaging by SIFT, LRT and MutationTaster2. In summary, the said variant meets our criteria to be classified as uncertain significance based on the mode of inheritance, in silico prediction, allele frequency in population databases and lack of segregation study.